The following is an entry in ClinVar:

NM_000489.6(ATRX):c.991T>G (p.Leu331Val)

Gene: ATRX (ATRX chromatin remodeler; minus strand). Cytogenetic location: Xq21.1.
Variant type: single nucleotide variant.
Coding change: c.991T>G on transcript NM_000489.6 (MANE Select); coding-DNA position 991, T replaced by G.
Protein change: p.Leu331Val; replaces leucine 331 with valine.
Molecular consequence: missense variant.
Genome position (GRCh38, 1-based): chrX:77,684,265, A>C on the plus strand (T>G on the coding strand, the complement: ATRX is on the minus strand). VCF-style: chrX-77684265-A-C. GRCh37 (hg19) VCF-style: chrX-76939757-A-C.
Other names: c.877T>G, p.Leu293Val (NM_138270.5); short protein forms L293V, L331V.
Identifiers: ClinVar variation 2737356 (VCV002737356.3), dbSNP rs2148633035, ClinGen allele CA413719957.

ClinVar aggregate classification (germline): Uncertain significance (1 of 4 stars; one submission).

Conditions:
Alpha thalassemia-X-linked intellectual disability syndrome (ATRX). Also called: ALPHA-THALASSEMIA/MENTAL RETARDATION SYNDROME, X-LINKED; ATR, NONDELETION TYPE; ATR-X syndrome; Alpha thalassemia mental retardation syndrome, nondeletion type, X-linked; XLMR hypotonic face syndrome; X-linked alpha-thalassemia-mental retardation syndrome. Identifiers: Orphanet 847, MedGen C1845055, MONDO:0010519, OMIM 301040.

Submission:

Labcorp Genetics (formerly Invitae), Labcorp
Classification: Uncertain significance for Alpha thalassemia-X-linked intellectual disability syndrome. Last evaluated: 2023-07-07. Review status: criteria provided, single submitter. Criteria: Invitae Variant Classification Sherloc (09022015). Collection method: clinical testing. Allele origin: germline.
Comment: This sequence change replaces leucine, which is neutral and non-polar, with valine, which is neutral and non-polar, at codon 331 of the ATRX protein (p.Leu331Val). This variant is not present in population databases (gnomAD no frequency). This variant has not been reported in the literature in individuals affected with ATRX-related conditions. Advanced modeling of protein sequence and biophysical properties (such as structural, functional, and spatial information, amino acid conservation, physicochemical variation, residue mobility, and thermodynamic stability) performed at Invitae indicates that this missense variant is not expected to disrupt ATRX protein function. In summary, the available evidence is currently insufficient to determine the role of this variant in disease. Therefore, it has been classified as a Variant of Uncertain Significance.